The following is an entry in ClinVar:

ClinVar aggregate classification (germline): Uncertain significance. Review status: reviewed by expert panel (3 of 4 stars). 4 submissions from 4 submitters: Uncertain significance (1). 3 of the submissions do not count toward it. Last evaluated 2024-07-11.

Conditions:
Hereditary thrombocytopenia and hematologic cancer predisposition syndrome. Identifiers: Orphanet 71290, MedGen CN281654, MONDO:0011071.
Inborn genetic diseases. Identifiers: MedGen C0950123, MeSH D030342.
Acute myeloid leukemia (AML). Also called: Leukemia, acute myeloid, somatic; Leukemia, acute myelogenous, somatic; Acute myeloid leukemia, adult; AML adult; Acute non-lymphocytic leukemia; Acute granulocytic leukemia. Identifiers: Orphanet 519, MedGen C0023467, MeSH D015470, MONDO:0018874, OMIM 601626, HP:0004808. Disease mechanism: Constitutively activated FLT3.
Hereditary thrombocytopenia and hematological cancer predisposition syndrome associated with RUNX1. Also called: Familial thrombocytopenia with propensity to acute myelogenous leukemia; RUNX1 Familial Platelet Disorder with Associated Myeloid Malignancies; Familial Platelet Disorder with Propensity to Acute Myelogenous Leukemia; PLATELET DISORDER, ASPIRIN-LIKE. Identifiers: Orphanet 71290, MedGen C1832388, MeSH C563324, MONDO:0100083, OMIM 601399.

gnomAD v4.1: 2 of 1,530,580 alleles (0.00013%); highest among the groups gnomAD compares: Admixed American, 0.002%; no homozygotes.

Submissions (4):

ClinGen Myeloid Malignancy Variant Curation Expert Panel
Classification: Uncertain significance for Hereditary thrombocytopenia and hematologic cancer predisposition syndrome. Last evaluated: 2024-07-11. Review status: reviewed by expert panel. Criteria: ClinGen MyeloMalig ACMG Specifications v2. Collection method: curation. Allele origin: germline. Inheritance: Autosomal dominant inheritance.
Comment: NM_001754.5(RUNX1):c.1400C>A (p.Ala467Glu) is a missense variant which has a REVEL score ≤0.50 (0.09) and a SpliceAI score ≤ 0.20 (0.00) (BP4). In summary, the clinical significance of this variant is uncertain. ACMG/AMP criteria applied, as specified by the Myeloid Malignancy Variant Curation Expert Panel for RUNX1: BP4.

Labcorp Genetics (formerly Invitae), Labcorp
Classification: Uncertain significance for Hereditary thrombocytopenia and hematological cancer predisposition syndrome associated with RUNX1. Last evaluated: 2025-04-07. Review status: criteria provided, single submitter. Criteria: Invitae Variant Classification Sherloc (09022015). Collection method: clinical testing. Allele origin: germline. Not counted in ClinVar's aggregate classification.
Comment: This sequence change replaces alanine, which is neutral and non-polar, with glutamic acid, which is acidic and polar, at codon 467 of the RUNX1 protein (p.Ala467Glu). The frequency data for this variant in the population databases is considered unreliable, as metrics indicate poor data quality at this position in the gnomAD database. This variant has not been reported in the literature in individuals affected with RUNX1-related conditions. ClinVar contains an entry for this variant (Variation ID: 463983). Invitae Evidence Modeling of protein sequence and biophysical properties (such as structural, functional, and spatial information, amino acid conservation, physicochemical variation, residue mobility, and thermodynamic stability) has been performed for this missense variant. However, the output from this modeling did not meet the statistical confidence thresholds required to predict the impact of this variant on RUNX1 protein function. In summary, the available evidence is currently insufficient to determine the role of this variant in disease. Therefore, it has been classified as a Variant of Uncertain Significance.

Ambry Genetics
Classification: Uncertain significance for Inborn genetic diseases. Last evaluated: 2024-11-18. Review status: criteria provided, single submitter. Criteria: Ambry Variant Classification Scheme 2023. Collection method: clinical testing. Allele origin: germline. Not counted in ClinVar's aggregate classification.
Comment: The p.A467E variant (also known as c.1400C>A), located in coding exon 8 of the RUNX1 gene, results from a C to A substitution at nucleotide position 1400. The alanine at codon 467 is replaced by glutamic acid, an amino acid with dissimilar properties. This amino acid position is conserved. In addition, this alteration is predicted to be tolerated by in silico analysis. Based on the available evidence, the clinical significance of this variant remains unclear.

Baylor Genetics
Classification: Uncertain significance for Acute myeloid leukemia. Last evaluated: 2023-11-23. Review status: criteria provided, single submitter. Criteria: ACMG Guidelines, 2015. Collection method: clinical testing. Allele origin: unknown. Not counted in ClinVar's aggregate classification.

NM_001754.5(RUNX1):c.1400C>A (p.Ala467Glu)

Gene: RUNX1 (RUNX family transcription factor 1; minus strand). Cytogenetic location: 21q22.12.
Variant type: single nucleotide variant.
Coding change: c.1400C>A on transcript NM_001754.5 (MANE Select); coding-DNA position 1400, C replaced by A.
Protein change: p.Ala467Glu; replaces alanine 467 with glutamic acid.
Molecular consequence: missense variant.
Genome position (GRCh38, 1-based): chr21:34,792,178, G>T on the plus strand (C>A on the coding strand, the complement: RUNX1 is on the minus strand). VCF-style: chr21-34792178-G-T. GRCh37 (hg19) VCF-style: chr21-36164475-G-T.
Other names: NM_001754.5(RUNX1):c.1400C>A; p.Ala467Glu; c.1319C>A, p.Ala440Glu (NM_001001890.3); short protein forms A467E, A440E.
Identifiers: ClinVar variation 463983 (VCV000463983.12), dbSNP rs1442794209, ClinGen allele CA410146806.